The following is an entry in ClinVar:

ClinVar aggregate classification (germline): Pathogenic (1 of 4 stars; one submission).

Submission:

Labcorp Genetics (formerly Invitae), Labcorp
Classification: Pathogenic. Last evaluated: 2022-11-25. Review status: criteria provided, single submitter. Criteria: Invitae Variant Classification Sherloc (09022015). Collection method: clinical testing. Allele origin: germline.
Comment: Algorithms developed to predict the effect of sequence changes on RNA splicing suggest that this variant may disrupt the consensus splice site. This variant disrupts a region of the PCDH15 protein in which other variant(s) (p.Gln1576*) have been determined to be pathogenic (PMID: 28281779). This suggests that this is a clinically significant region of the protein, and that variants that disrupt it are likely to be disease-causing. For these reasons, this variant has been classified as Pathogenic. This sequence change creates a premature translational stop signal (p.Ile1490Lysfs*4) in the PCDH15 gene. While this is not anticipated to result in nonsense mediated decay, it is expected to disrupt the last 466 amino acid(s) of the PCDH15 protein. This variant is not present in population databases (gnomAD no frequency). This variant has not been reported in the literature in individuals affected with PCDH15-related conditions.

Literature cited by the submitters: PubMed 28281779.

NM_033056.4(PCDH15):c.4462_4468dup (p.Ile1490fs)

Gene: PCDH15 (protocadherin related 15; minus strand). Cytogenetic location: 10q21.1.
Variant type: Duplication.
Coding change: c.4462_4468dup on transcript NM_033056.4 (MANE Plus Clinical); coding-DNA positions 4462 to 4468, 7 bases duplicated (AATACTA; older notation c.4462_4468dupAATACTA).
Protein change: p.Ile1490fs; shifts the reading frame from isoleucine 1490.
Molecular consequence: frameshift variant. On other transcripts: intron variant (8).
Genome position (GRCh38, 1-based): chr10:53,823,258-53,823,264, TAGTATT duplicated on the plus strand (AATACTA on the coding strand, the reverse complement: PCDH15 is on the minus strand). VCF-style (leftmost placement, unchanged base first): chr10-53823257-A-ATAGTATT. GRCh37 (hg19) VCF-style: chr10-55583017-A-ATAGTATT.
Other names: c.4483_4489dup, p.Ile1497fs (NM_001142763.2); c.4468_4474dup, p.Ile1492fs (NM_001142764.2); c.4255_4261dup, p.Ile1421fs (NM_001142765.2); c.4453_4459dup, p.Ile1487fs (NM_001142766.2); c.4342_4348dup, p.Ile1450fs (NM_001142767.2); c.4402_4408dup, p.Ile1470fs (NM_001142768.2); c.4393_4399dup, p.Ile1467fs (NM_001142773.2); c.4396_4402dup, p.Ile1468fs (NM_001354404.2); and 6 more; short protein forms I1490fs, I1450fs, I1467fs, I1468fs, I1470fs, I1487fs, I1497fs, I1421fs.
Identifiers: ClinVar variation 2816729 (VCV002816729.3), dbSNP rs2492414051, ClinGen allele CA2739265385.